The following is an entry in ClinVar:

NM_003680.4(YARS1):c.815A>G (p.Lys272Arg)

Genes: YARS1 (tyrosyl-tRNA synthetase 1; minus strand), LOC126805688 (BRD4-independent group 4 enhancer GRCh37_chr1:33251929-33253128; plus strand). Cytogenetic location: 1p35.1.
Variant type: single nucleotide variant.
Coding change: c.815A>G on transcript NM_003680.4 (MANE Select); coding-DNA position 815, A replaced by G.
Protein change: p.Lys272Arg; replaces lysine 272 with arginine.
Molecular consequence: missense variant.
Genome position (GRCh38, 1-based): chr1:32,786,945, T>C on the plus strand (A>G on the coding strand, the complement: YARS1 is on the minus strand). VCF-style: chr1-32786945-T-C. GRCh37 (hg19) VCF-style: chr1-33252546-T-C.
Other names: short protein forms K272R.
Identifiers: ClinVar variation 1977918 (VCV001977918.5), dbSNP rs754513172, ClinGen allele CA745107.

ClinVar aggregate classification (germline): Uncertain significance (1 of 4 stars; one submission).

Conditions:
Charcot-Marie-Tooth disease dominant intermediate C (CMTDIC). Also called: CHARCOT-MARIE-TOOTH NEUROPATHY, DOMINANT INTERMEDIATE C. Identifiers: Orphanet 100045, MedGen C1842237, MONDO:0012012, OMIM 608323.

Allele frequency attached by ClinVar (database versions not stated): ExAC 0.00002.
gnomAD v4.1: 9 of 1,614,074 alleles (0.00056%); highest among the groups gnomAD compares: Non-Finnish European, 0.00076%; no homozygotes.

Submission:

Labcorp Genetics (formerly Invitae), Labcorp
Classification: Uncertain significance for Charcot-Marie-Tooth disease dominant intermediate C. Last evaluated: 2022-05-14. Review status: criteria provided, single submitter. Criteria: Invitae Variant Classification Sherloc (09022015). Collection method: clinical testing. Allele origin: germline.
Comment: This sequence change replaces lysine, which is basic and polar, with arginine, which is basic and polar, at codon 272 of the YARS protein (p.Lys272Arg). This variant is present in population databases (rs754513172, gnomAD 0.002%). This variant has not been reported in the literature in individuals affected with YARS-related conditions. Algorithms developed to predict the effect of missense changes on protein structure and function are either unavailable or do not agree on the potential impact of this missense change (SIFT: "Not Available"; PolyPhen-2: "Benign"; Align-GVGD: "Not Available"). Algorithms developed to predict the effect of sequence changes on RNA splicing suggest that this variant may disrupt the consensus splice site. In summary, the available evidence is currently insufficient to determine the role of this variant in disease. Therefore, it has been classified as a Variant of Uncertain Significance.